The following is an entry in ClinVar:

NM_004970.3(IGFALS):c.611A>G (p.Asn204Ser)

Gene: IGFALS (insulin like growth factor binding protein acid labile subunit; minus strand). Cytogenetic location: 16p13.3.
Variant type: single nucleotide variant.
Coding change: c.611A>G on transcript NM_004970.3 (MANE Select); coding-DNA position 611, A replaced by G.
Protein change: p.Asn204Ser; replaces asparagine 204 with serine.
Molecular consequence: missense variant. On other transcripts: non-coding transcript variant (1).
Genome position (GRCh38, 1-based): chr16:1,791,807, T>C on the plus strand (A>G on the coding strand, the complement: IGFALS is on the minus strand). VCF-style: chr16-1791807-T-C. GRCh37 (hg19) VCF-style: chr16-1841808-T-C.
Other names: c.725A>G, p.Asn242Ser (NM_001146006.2); short protein forms N204S, N242S.
Identifiers: ClinVar variation 5009570 (VCV005009570.1).
Genomic context (GRCh38, chr16:1,791,807, plus strand): 5'-TCCAGCTCCCGGAGCTCGGCCAGGCCGCTGAAGAGCGCGGGCTGCAGGTAGGCCAGCCTG[T>C]TGCCCGCCAGCACCAGCTCGCGCAGGCTGCCCAGGCCGCGGAACGCCGCATCGGGGAGCA-3'
Protein context (NP_004961.1, residues 194-214): GSLRELVLAG[Asn204Ser]RLAYLQPALF

ClinVar aggregate classification (germline): Uncertain significance (1 of 4 stars; one submission).

Submission:

GeneDx
Classification: Uncertain significance. Last evaluated: 2026-03-21. Review status: criteria provided, single submitter. Criteria: GeneDx Variant Classification Process June 2021. Collection method: clinical testing. Allele origin: germline.
Comment: Not observed at significant frequency in large population cohorts (gnomAD); In silico analysis supports that this missense variant has a deleterious effect on protein structure/function; Has not been previously published as pathogenic or benign to our knowledge